The following is an entry in ClinVar:

ClinVar aggregate classification (germline): Uncertain significance. Review status: criteria provided, multiple submitters, no conflicts (2 of 4 stars). 2 submissions from 2 submitters: Uncertain significance (2). Last evaluated 2023-12-24.

Allele frequency attached by ClinVar (database versions not stated): gnomAD exomes below 0.00001 and 0.00001; gnomAD 0.00001; 1000 Genomes Project 30x 0.00016; 1000 Genomes Project 0.00020.

Submissions (2):

Labcorp Genetics (formerly Invitae), Labcorp
Classification: Uncertain significance. Last evaluated: 2023-12-24. Review status: criteria provided, single submitter. Criteria: Invitae Variant Classification Sherloc (09022015). Collection method: clinical testing. Allele origin: germline.
Comment: This sequence change replaces tryptophan, which is neutral and slightly polar, with serine, which is neutral and polar, at codon 298 of the IRF2BP2 protein (p.Trp298Ser). This variant is present in population databases (rs567224143, gnomAD 0.003%). This variant has not been reported in the literature in individuals affected with IRF2BP2-related conditions. ClinVar contains an entry for this variant (Variation ID: 1493121). An algorithm developed to predict the effect of missense changes on protein structure and function (PolyPhen-2) suggests that this variant is likely to be disruptive. In summary, the available evidence is currently insufficient to determine the role of this variant in disease. Therefore, it has been classified as a Variant of Uncertain Significance.

Ambry Genetics
Classification: Uncertain significance. Last evaluated: 2023-06-06. Review status: criteria provided, single submitter. Criteria: Ambry Variant Classification Scheme 2023. Collection method: clinical testing. Allele origin: germline.

NM_182972.3(IRF2BP2):c.893G>C (p.Trp298Ser)

Gene: IRF2BP2 (interferon regulatory factor 2 binding protein 2; minus strand). Cytogenetic location: 1q42.3.
Variant type: single nucleotide variant.
Coding change: c.893G>C on transcript NM_182972.3 (MANE Select); coding-DNA position 893, G replaced by C.
Protein change: p.Trp298Ser; replaces tryptophan 298 with serine.
Molecular consequence: missense variant.
Genome position (GRCh38, 1-based): chr1:234,608,602, C>G on the plus strand (G>C on the coding strand, the complement: IRF2BP2 is on the minus strand). VCF-style: chr1-234608602-C-G. GRCh37 (hg19) VCF-style: chr1-234744348-C-G.
Other names: c.893G>C (NM_182972.2); c.893G>C, p.Trp298Ser (NM_001077397.1); short protein forms W298S.
Identifiers: ClinVar variation 1493121 (VCV001493121.9), dbSNP rs567224143, ClinGen allele CA39546139.
Genomic context (GRCh38, chr1:234,608,602, plus strand): 5'-GAGTGGCCGTGCTGGTGCAGCGCCAGCAGCGTGTCGCGCACGGTCTTGGGCCTGTTGACC[C>G]AGTCCTGCTCTCCAGACCCGCGGCTCTTGCCCGCACCTTCCGCGCTCAGCTCGGCGGCCC-3'
Protein context (NP_892017.2, residues 288-308): GKSRGSGEQD[Trp298Ser]VNRPKTVRDT